The following is an entry in ClinVar:

NM_000283.4(PDE6B):c.468+2T>G

Gene: PDE6B (phosphodiesterase 6B; plus strand). Cytogenetic location: 4p16.3.
Variant type: single nucleotide variant.
Coding change: c.468+2T>G on transcript NM_000283.4 (MANE Select); the canonical splice donor site of the intron after coding-DNA position 468, T replaced by G.
Molecular consequence: splice donor variant.
Genome position (GRCh38, 1-based): chr4:626,096, T>G. VCF-style: chr4-626096-T-G. GRCh37 (hg19) VCF-style: chr4-619885-T-G.
Other names: c.468+2T>G (NM_001145291.2, NM_001440547.1, NM_001440548.1).
Identifiers: ClinVar variation 4710125 (VCV004710125.1).

ClinVar aggregate classification (germline): Likely pathogenic (1 of 4 stars; one submission).

Submission:

Labcorp Genetics (formerly Invitae), Labcorp
Classification: Likely pathogenic. Last evaluated: 2025-03-31. Review status: criteria provided, single submitter. Criteria: Invitae Variant Classification Sherloc (09022015). Collection method: clinical testing. Allele origin: germline.
Comment: This sequence change affects a donor splice site in intron 1 of the PDE6B gene. It is expected to disrupt RNA splicing. Variants that disrupt the donor or acceptor splice site typically lead to a loss of protein function (PMID: 16199547), and loss-of-function variants in PDE6B are known to be pathogenic (PMID: 8394174, 8595886, 22334370). This variant is not present in population databases (gnomAD no frequency). This variant has not been reported in the literature in individuals affected with PDE6B-related conditions. Algorithms developed to predict the effect of sequence changes on RNA splicing suggest that this variant may disrupt the consensus splice site. In summary, the currently available evidence indicates that the variant is pathogenic, but additional data are needed to prove that conclusively. Therefore, this variant has been classified as Likely Pathogenic.

Literature cited by the submitters: PubMed 16199547; PubMed 8394174; PubMed 8595886; PubMed 22334370.